The following is an entry in ClinVar:

ClinVar aggregate classification (germline): Pathogenic (1 of 4 stars; one submission).

Submission:

GeneDx
Classification: Pathogenic. Last evaluated: 2019-08-20. Review status: criteria provided, single submitter. Criteria: GeneDx Variant Classification (06012015). Collection method: clinical testing. Allele origin: germline. Affected: yes.
Comment: The c.1056delG variant has not been published as a pathogenic variant, nor has it been reported as a benign variant to our knowledge. The variant causes a frameshift starting with codon Arginine 353, changes this amino acid to an Glysine residue and creates a premature Stop codon at position 11 of the new reading frame, denoted p.Arg353GlyfsX11. This variant is predicted to cause loss of normal protein function either through protein truncation or nonsense-mediated mRNA decay. The variant is not observed in large population cohorts (Lek et al., 2016). In summary, we consider this variant to be pathogenic.

NM_000268.4(NF2):c.1056del (p.Arg353fs)

Gene: NF2 (NF2, moesin-ezrin-radixin like (MERLIN) tumor suppressor; plus strand). Cytogenetic location: 22q12.2.
Variant type: Deletion.
Coding change: c.1056del on transcript NM_000268.4 (MANE Select); coding-DNA position 1056, one base deleted (G; older notation c.1056delG).
Protein change: p.Arg353fs; shifts the reading frame from arginine 353.
Molecular consequence: frameshift variant. On other transcripts: non-coding transcript variant (1), intron variant (1).
Genome position (GRCh38, 1-based): chr22:29,671,882, G deleted. VCF-style (leftmost placement, unchanged base first): chr22-29671881-CG-C. GRCh37 (hg19) VCF-style: chr22-30067870-CG-C.
Other names: c.1056del, p.Arg353fs (NM_016418.5, NM_181825.3, NM_181832.3); c.930del, p.Arg311fs (NM_181828.3); c.933del, p.Arg312fs (NM_181829.3); c.807del, p.Arg270fs (NM_181830.3, NM_181831.3); c.448-22870del (NM_181833.3); short protein forms R270fs, R312fs, R311fs, R353fs.
Identifiers: ClinVar variation 817865 (VCV000817865.1), dbSNP rs1601644130, ClinGen allele CA915952871.